The following is an entry in ClinVar:

NM_004562.3(PRKN):c.171+25T>C

Gene: PRKN (parkin RBR E3 ubiquitin protein ligase; minus strand). Cytogenetic location: 6q26.
Variant type: single nucleotide variant.
Coding change: c.171+25T>C on transcript NM_004562.3 (MANE Select); 25 bases into the intron after coding-DNA position 171, T replaced by C.
Molecular consequence: intron variant.
Genome position (GRCh38, 1-based): chr6:162,443,285, A>G on the plus strand (T>C on the coding strand, the complement: PRKN is on the minus strand). VCF-style: chr6-162443285-A-G. GRCh37 (hg19) VCF-style: chr6-162864317-A-G.
Other names: c.171+25T>C (NM_013988.3, NM_013987.3).
Identifiers: ClinVar variation 1281040 (VCV001281040.3), dbSNP rs2075923, ClinGen allele CA4090484.

ClinVar aggregate classification (germline): Benign. Review status: criteria provided, multiple submitters, no conflicts (2 of 4 stars). 2 submissions from 2 submitters: Benign (2). Last evaluated 2024-07-31.

Allele frequency attached by ClinVar (database versions not stated): gnomAD exomes 0.23328 and 0.25203; ExAC 0.25298; 1000 Genomes Project 0.27336; TOPMed 0.28065; 1000 Genomes Project 30x 0.28076; ESP Exome Variant Server 0.28202; gnomAD 0.28416 and 0.28900.
gnomAD v4.1: 383,859 of 1,610,726 alleles (24%); highest among the groups gnomAD compares: African/African-American, 39%; 47,351 homozygotes.

Submissions (2):

Unidad de Genómica Garrahan, Hospital de Pediatría Garrahan
Classification: Benign. Last evaluated: 2024-07-31. Review status: criteria provided, single submitter. Criteria: ACMG Guidelines, 2015. Collection method: clinical testing. Allele origin: germline. Affected: no. Observed: 41 variant alleles.
Comment: This variant is classified as Benign based on local population frequency. This variant was detected in 44% of patients studied in a panel designed for Epileptic and Developmental Encephalopathy, Progressive Myoclonus Epilepsy and Abnormal Movements and Neurodegeneration with brain iron accumulation. Number of patients: 41. Only high quality variants are reported.

GeneDx
Classification: Benign. Last evaluated: 2018-07-05. Review status: criteria provided, single submitter. Criteria: GeneDx Variant Classification Process June 2021. Collection method: clinical testing. Allele origin: germline. Affected: yes.